The following is an entry in ClinVar:

NM_001206927.2(DNAH8):c.4846G>T (p.Asp1616Tyr)

Gene: DNAH8 (dynein axonemal heavy chain 8; plus strand). Cytogenetic location: 6p21.2.
Variant type: single nucleotide variant.
Coding change: c.4846G>T on transcript NM_001206927.2 (MANE Select); coding-DNA position 4846, G replaced by T.
Protein change: p.Asp1616Tyr; replaces aspartic acid 1616 with tyrosine.
Molecular consequence: missense variant.
Genome position (GRCh38, 1-based): chr6:38,845,574, G>T. VCF-style: chr6-38845574-G-T. GRCh37 (hg19) VCF-style: chr6-38813350-G-T.
Other names: c.4195G>T, p.Asp1399Tyr (NM_001371.4); c.4846G>T (NM_001206927.1); short protein forms D1399Y, D1616Y.
Identifiers: ClinVar variation 2192417 (VCV002192417.4), dbSNP rs528250155, ClinGen allele CA3789232.
Genomic context (GRCh38, chr6:38,845,574, plus strand): 5'-ATGATGCACTTAATTTGTAGTTGAAAACATCATGACATATACTTTGCTTTTCCTTCAAAG[G>T]ATATTTGCATATCTGCCATTAAGGAGAAGGATATCGAAGCCAAGCTGACTCAGGTGATTG-3'
Protein context (NP_001193856.1, residues 1606-1626): PLLKHKDDIE[Asp1616Tyr]ICISAIKEKD

ClinVar aggregate classification (germline): Uncertain significance. Review status: criteria provided, multiple submitters, no conflicts (2 of 4 stars). 2 submissions from 2 submitters: Uncertain significance (2). Last evaluated 2024-10-16.

Conditions:
Primary ciliary dyskinesia. Also called: Ciliary dyskinesia. Identifiers: Orphanet 244, MedGen C0008780, MONDO:0016575, HP:0012265.

Allele frequency attached by ClinVar (database versions not stated): ExAC 0.00002; TOPMed 0.00002; gnomAD 0.00003; gnomAD exomes 0.00004.
gnomAD v4.1: 60 of 1,611,816 alleles (0.0037%); highest among the groups gnomAD compares: Non-Finnish European, 0.005%; no homozygotes.

Submissions (2):

Ambry Genetics
Classification: Uncertain significance. Last evaluated: 2024-10-16. Review status: criteria provided, single submitter. Criteria: Ambry Variant Classification Scheme 2023. Collection method: clinical testing. Allele origin: germline.

Labcorp Genetics (formerly Invitae), Labcorp
Classification: Uncertain significance for Primary ciliary dyskinesia. Last evaluated: 2023-07-17. Review status: criteria provided, single submitter. Criteria: Invitae Variant Classification Sherloc (09022015). Collection method: clinical testing. Allele origin: germline.
Comment: In summary, the available evidence is currently insufficient to determine the role of this variant in disease. Therefore, it has been classified as a Variant of Uncertain Significance. Algorithms developed to predict the effect of sequence changes on RNA splicing suggest that this variant may disrupt the consensus splice site. Experimental studies and prediction algorithms are not available or were not evaluated, and the functional significance of this variant is currently unknown. ClinVar contains an entry for this variant (Variation ID: 2192417). This variant has not been reported in the literature in individuals affected with DNAH8-related conditions. This variant is present in population databases (rs528250155, gnomAD 0.002%). This sequence change replaces aspartic acid, which is acidic and polar, with tyrosine, which is neutral and polar, at codon 1616 of the DNAH8 protein (p.Asp1616Tyr).